The following is an entry in ClinVar:

NM_022124.6(CDH23):c.3997G>A (p.Val1333Met)

Genes: C10orf105 (chromosome 10 open reading frame 105; minus strand), CDH23 (cadherin related 23; plus strand). Cytogenetic location: 10q22.1.
Variant type: single nucleotide variant.
Coding change: c.3997G>A on transcript NM_022124.6 (MANE Select); coding-DNA position 3997, G replaced by A.
Protein change: p.Val1333Met; replaces valine 1333 with methionine.
Molecular consequence: missense variant. On other transcripts: intron variant (1).
Genome position (GRCh38, 1-based): chr10:71,732,268, G>A. VCF-style: chr10-71732268-G-A. GRCh37 (hg19) VCF-style: chr10-73492025-G-A.
Other names: c.3997G>A, p.Val1333Met (NM_001171930.2); c.-6+5460C>T (NM_001168390.2); short protein forms V1333M.
Identifiers: ClinVar variation 1479606 (VCV001479606.4), dbSNP rs2132825712, ClinGen allele CA377156694.

ClinVar aggregate classification (germline): Uncertain significance (1 of 4 stars; one submission).

gnomAD v4.1: 2 of 1,613,620 alleles (0.00012%); highest among the groups gnomAD compares: South Asian, 0.0022%; no homozygotes.

Submission:

Labcorp Genetics (formerly Invitae), Labcorp
Classification: Uncertain significance. Last evaluated: 2021-10-17. Review status: criteria provided, single submitter. Criteria: Invitae Variant Classification Sherloc (09022015). Collection method: clinical testing. Allele origin: germline.
Comment: This sequence change replaces valine with methionine at codon 1333 of the CDH23 protein (p.Val1333Met). The valine residue is highly conserved and there is a small physicochemical difference between valine and methionine. This variant is not present in population databases (ExAC no frequency). This variant has not been reported in the literature in individuals with CDH23-related conditions. Algorithms developed to predict the effect of missense changes on protein structure and function output the following: SIFT: "Deleterious"; PolyPhen-2: "Not Available"; Align-GVGD: "Class C0". The methionine amino acid residue is found in multiple mammalian species, suggesting that this missense change does not adversely affect protein function. These predictions have not been confirmed by published functional studies and their clinical significance is uncertain. In summary, the available evidence is currently insufficient to determine the role of this variant in disease. Therefore, it has been classified as a Variant of Uncertain Significance.